The following is an entry in ClinVar:

Conditions:
Breast-ovarian cancer, familial, susceptibility to, 1 (BROVCA1). Also called: BRCA1 Hereditary Breast and Ovarian Cancer; OVARIAN CANCER, SUSCEPTIBILITY TO. Identifiers: Orphanet 145, MedGen C2676676, MONDO:0011450, OMIM 604370. Disease mechanism: loss of function.

Submission:

Brotman Baty Institute, University of Washington
No classification provided (evidence only). Condition: Breast-ovarian cancer, familial 1. Review status: no classification provided. Collection method: in vitro. Allele origin: not applicable. Functional consequence: functionally_normal.
ClinVar note: "not provided" was previously submitted as the classification for the variant. However, the classification appeared to be based only on an observation of functional data so it was converted to no classification on 2025-07-30.

NM_007294.4(BRCA1):c.197A>T (p.Asn66Ile)

Gene: BRCA1 (BRCA1 DNA repair associated; minus strand). Cytogenetic location: 17q21.31.
Variant type: single nucleotide variant.
Coding change: c.197A>T on transcript NM_007294.4 (MANE Select); coding-DNA position 197, A replaced by T.
Protein change: p.Asn66Ile; replaces asparagine 66 with isoleucine.
Molecular consequence: missense variant.
Genome position (GRCh38, 1-based): chr17:43,106,471, T>A on the plus strand (A>T on the coding strand, the complement: BRCA1 is on the minus strand). VCF-style: chr17-43106471-T-A. GRCh37 (hg19) VCF-style: chr17-41258488-T-A.
Other names: c.197A>T, p.Asn66Ile (NM_001407581.1, NM_001407582.1, NM_001407583.1 and 168 more transcripts); c.56A>T, p.Asn19Ile (NM_001407692.1, NM_001407694.1, NM_001407695.1 and 99 more transcripts); short protein forms N66I, N19I.
Identifiers: ClinVar variation 865250 (VCV000865250.3), dbSNP rs2054774560, ClinGen allele CA10601772.